The following is an entry in ClinVar:

ClinVar aggregate classification (germline): Uncertain significance. Review status: criteria provided, multiple submitters, no conflicts (2 of 4 stars). 2 submissions from 2 submitters: Uncertain significance (2). Last evaluated 2025-08-19.

Conditions:
Hereditary cancer-predisposing syndrome. Also called: Hereditary neoplastic syndrome; Hereditary Cancer Syndrome; Neoplastic Syndromes, Hereditary; Tumor predisposition. Identifiers: Orphanet 140162, MedGen C0027672, MeSH D009386, MONDO:0015356.
Ataxia-telangiectasia syndrome (AT). Also called: Cerebello-oculocutaneous telangiectasia; Immunodeficiency with ataxia telangiectasia; AT, COMPLEMENTATION GROUP C; Ataxia-telangiectasia, complementation group E; LOUIS-BAR SYNDROME; ATAXIA-TELANGIECTASIA, COMPLEMENTATION GROUP A. Identifiers: Orphanet 100, MedGen C0004135, MONDO:0008840, OMIM 208900.

Submissions (2):

Ambry Genetics
Classification: Uncertain significance for Hereditary cancer-predisposing syndrome. Last evaluated: 2025-08-19. Review status: criteria provided, single submitter. Criteria: Ambry Variant Classification Scheme 2023. Collection method: clinical testing. Allele origin: germline.
Comment: The p.R250P variant (also known as c.749G>C), located in coding exon 6 of the ATM gene, results from a G to C substitution at nucleotide position 749. The arginine at codon 250 is replaced by proline, an amino acid with dissimilar properties. This amino acid position is not well conserved in available vertebrate species. In addition, this alteration is predicted to be tolerated by in silico analysis. Based on the available evidence, the clinical significance of this variant remains unclear.

Labcorp Genetics (formerly Invitae), Labcorp
Classification: Uncertain significance for Ataxia-telangiectasia syndrome. Last evaluated: 2022-03-18. Review status: criteria provided, single submitter. Criteria: Invitae Variant Classification Sherloc (09022015). Collection method: clinical testing. Allele origin: germline.
Comment: This sequence change replaces arginine, which is basic and polar, with proline, which is neutral and non-polar, at codon 250 of the ATM protein (p.Arg250Pro). This variant is not present in population databases (gnomAD no frequency). This variant has not been reported in the literature in individuals affected with ATM-related conditions. Advanced modeling of protein sequence and biophysical properties (such as structural, functional, and spatial information, amino acid conservation, physicochemical variation, residue mobility, and thermodynamic stability) performed at Invitae indicates that this missense variant is not expected to disrupt ATM protein function. In summary, the available evidence is currently insufficient to determine the role of this variant in disease. Therefore, it has been classified as a Variant of Uncertain Significance.

NM_000051.4(ATM):c.749G>C (p.Arg250Pro)

Gene: ATM (ATM serine/threonine kinase; plus strand). Cytogenetic location: 11q22.3.
Variant type: single nucleotide variant.
Coding change: c.749G>C on transcript NM_000051.4 (MANE Select); coding-DNA position 749, G replaced by C.
Protein change: p.Arg250Pro; replaces arginine 250 with proline.
Molecular consequence: missense variant.
Genome position (GRCh38, 1-based): chr11:108,244,874, G>C. VCF-style: chr11-108244874-G-C. GRCh37 (hg19) VCF-style: chr11-108115601-G-C.
Other names: c.749G>C, p.Arg250Pro (NM_001351834.2); c.749G>C (NM_000051.3); short protein forms R250P.
Identifiers: ClinVar variation 1371582 (VCV001371582.4), dbSNP rs56123940, ClinGen allele CA382529268.
Genomic context (GRCh38, chr11:108,244,874, plus strand): 5'-ATCATATCTTAGCAGCTCTTACTATCTTCCTCAAGACTTTGGCTGTCAACTTTCGAATTC[G>C]AGTGTGTGAATTAGGAGATGAAATTCTTCCCACTTTGCTTTATATTTGGACTCAACATAG-3'
Protein context (NP_000042.3, residues 240-260): LKTLAVNFRI[Arg250Pro]VCELGDEILP